The following is an entry in ClinVar:

ClinVar aggregate classification (germline): Uncertain significance (1 of 4 stars; one submission).

Allele frequency attached by ClinVar (database versions not stated): gnomAD 0.00001; TOPMed 0.00002; gnomAD exomes 0.00003.
gnomAD v4.1: 41 of 1,613,398 alleles (0.0025%); highest among the groups gnomAD compares: Middle Eastern, 0.016%; no homozygotes.

Submission:

Labcorp Genetics (formerly Invitae), Labcorp
Classification: Uncertain significance. Last evaluated: 2023-10-01. Review status: criteria provided, single submitter. Criteria: Invitae Variant Classification Sherloc (09022015). Collection method: clinical testing. Allele origin: germline.
Comment: In summary, the available evidence is currently insufficient to determine the role of this variant in disease. Therefore, it has been classified as a Variant of Uncertain Significance. Advanced modeling of protein sequence and biophysical properties (such as structural, functional, and spatial information, amino acid conservation, physicochemical variation, residue mobility, and thermodynamic stability) performed at Invitae indicates that this missense variant is not expected to disrupt ERBB4 protein function. ClinVar contains an entry for this variant (Variation ID: 2170815). This variant has not been reported in the literature in individuals affected with ERBB4-related conditions. This variant is present in population databases (no rsID available, gnomAD 0.002%). This sequence change replaces glycine, which is neutral and non-polar, with arginine, which is basic and polar, at codon 185 of the ERBB4 protein (p.Gly185Arg).

NM_005235.3(ERBB4):c.553G>A (p.Gly185Arg)

Gene: ERBB4 (erb-b2 receptor tyrosine kinase 4; minus strand). Cytogenetic location: 2q34.
Variant type: single nucleotide variant.
Coding change: c.553G>A on transcript NM_005235.3 (MANE Select); coding-DNA position 553, G replaced by A.
Protein change: p.Gly185Arg; replaces glycine 185 with arginine.
Molecular consequence: missense variant.
Genome position (GRCh38, 1-based): chr2:211,788,028, C>T on the plus strand (G>A on the coding strand, the complement: ERBB4 is on the minus strand). VCF-style: chr2-211788028-C-T. GRCh37 (hg19) VCF-style: chr2-212652753-C-T.
Other names: c.553G>A, p.Gly185Arg (NM_001042599.2); short protein forms G185R.
Identifiers: ClinVar variation 2170815 (VCV002170815.2), dbSNP rs1415848981, ClinGen allele CA350443013.